The following is an entry in ClinVar:

Conditions:
Breast-ovarian cancer, familial, susceptibility to, 1 (BROVCA1). Also called: BRCA1 Hereditary Breast and Ovarian Cancer; OVARIAN CANCER, SUSCEPTIBILITY TO. Identifiers: Orphanet 145, MedGen C2676676, MONDO:0011450, OMIM 604370. Disease mechanism: loss of function.

Submission:

Brotman Baty Institute, University of Washington
No classification provided (evidence only). Condition: Breast-ovarian cancer, familial 1. Review status: no classification provided. Collection method: in vitro. Allele origin: not applicable. Functional consequence: functionally_normal.
ClinVar note: "not provided" was previously submitted as the classification for the variant. However, the classification appeared to be based only on an observation of functional data so it was converted to no classification on 2025-07-30.

NM_007294.4(BRCA1):c.5475G>C (p.Gly1825=)

Gene: BRCA1 (BRCA1 DNA repair associated; minus strand). Cytogenetic location: 17q21.31.
Variant type: single nucleotide variant.
Coding change: c.5475G>C on transcript NM_007294.4 (MANE Select); coding-DNA position 5475, G replaced by C.
Protein change: p.Gly1825=; no amino-acid change (glycine 1825 retained).
Molecular consequence: synonymous variant. On other transcripts: missense variant (17).
Genome position (GRCh38, 1-based): chr17:43,045,795, C>G on the plus strand (G>C on the coding strand, the complement: BRCA1 is on the minus strand). VCF-style: chr17-43045795-C-G. GRCh37 (hg19) VCF-style: chr17-41197812-C-G.
Other names: c.5472G>C, p.Gly1824= (NM_001407611.1, NM_001407612.1, NM_001407613.1 and 14 more transcripts); c.5469G>C, p.Gly1823= (NM_001407627.1, NM_001407628.1, NM_001407629.1 and 13 more transcripts); c.5466G>C, p.Gly1822= (NM_001407644.1, NM_001407645.1); c.5463G>C, p.Gly1821= (NM_001407646.1); c.5460G>C, p.Gly1820= (NM_001407647.1); c.5418G>C, p.Gly1806= (NM_001407648.1); c.5415G>C, p.Gly1805= (NM_001407649.1); c.5397G>C, p.Gly1799= (NM_001407652.1, NM_001407653.1, NM_001407654.1 and 1 more transcripts); and 83 more; short protein forms A697P, A1758P, A1759P, A696P, A1753P, A1799P, A1800P, A1801P.
Identifiers: ClinVar variation 868967 (VCV000868967.3), dbSNP rs1057520941, ClinGen allele CA10590378.